The following is an entry in ClinVar:

NM_000179.3(MSH6):c.1685A>C (p.Asp562Ala)

Gene: MSH6 (mutS homolog 6; plus strand). Cytogenetic location: 2p16.3.
Variant type: single nucleotide variant.
Coding change: c.1685A>C on transcript NM_000179.3 (MANE Select); coding-DNA position 1685, A replaced by C.
Protein change: p.Asp562Ala; replaces aspartic acid 562 with alanine.
Molecular consequence: missense variant. On other transcripts: non-coding transcript variant (4), intron variant (2).
Genome position (GRCh38, 1-based): chr2:47,799,668, A>C. VCF-style: chr2-47799668-A-C. GRCh37 (hg19) VCF-style: chr2-48026807-A-C.
Other names: c.1781A>C, p.Asp594Ala (NM_001406802.1, NM_001406795.1); c.1685A>C, p.Asp562Ala (NM_001406803.1, NM_001406808.1, NM_001406809.1 and 3 more transcripts); c.1607A>C, p.Asp536Ala (NM_001406804.1); c.1388A>C, p.Asp463Ala (NM_001406805.1, NM_001406797.1, NM_001406801.1 and 10 more transcripts); c.1160A>C, p.Asp387Ala (NM_001406806.1, NM_001406807.1, NM_001406799.1); c.779A>C, p.Asp260Ala (NM_001406811.1, NM_001406812.1, NM_001281493.2 and 6 more transcripts); c.1295A>C, p.Asp432Ala (NM_001281492.2); c.1691A>C, p.Asp564Ala (NM_001406813.1); and 3 more; short protein forms D564A, D594A, D387A, D432A, D506A, D536A, D260A, D463A.
Identifiers: ClinVar variation 4825255 (VCV004825255.1).

ClinVar aggregate classification (germline): Uncertain significance (1 of 4 stars; one submission).

Conditions:
Hereditary cancer-predisposing syndrome. Also called: Neoplastic Syndromes, Hereditary; Tumor predisposition; Hereditary Cancer Syndrome; Hereditary neoplastic syndrome. Identifiers: Orphanet 140162, MedGen C0027672, MeSH D009386, MONDO:0015356.

Submission:

Ambry Genetics
Classification: Uncertain significance for Hereditary cancer-predisposing syndrome. Last evaluated: 2026-01-18. Review status: criteria provided, single submitter. Criteria: Ambry Variant Classification Scheme 2023. Collection method: clinical testing. Allele origin: germline.
Comment: The p.D562A variant (also known as c.1685A>C), located in coding exon 4 of the MSH6 gene, results from an A to C substitution at nucleotide position 1685. The aspartic acid at codon 562 is replaced by alanine, an amino acid with dissimilar properties. This amino acid position is conserved. In addition, this alteration is predicted to be deleterious by in silico analysis. Based on the available evidence, the clinical significance of this variant remains unclear.